The following is an entry in ClinVar:

ClinVar aggregate classification (germline): Uncertain significance. Review status: criteria provided, multiple submitters, no conflicts (2 of 4 stars). 2 submissions from 2 submitters: Uncertain significance (2). Last evaluated 2025-04-17.

Conditions:
Inborn genetic diseases. Identifiers: MedGen C0950123, MeSH D030342.

Allele frequency attached by ClinVar (database versions not stated): gnomAD exomes below 0.00001; gnomAD 0.00003; TOPMed 0.00012.
gnomAD v4.1: 13 of 1,614,016 alleles (0.00081%); highest among the groups gnomAD compares: Admixed American, 0.013%; no homozygotes.

Submissions (2):

GeneDx
Classification: Uncertain significance. Last evaluated: 2025-04-17. Review status: criteria provided, single submitter. Criteria: GeneDx Variant Classification Process June 2021. Collection method: clinical testing. Allele origin: germline. Affected: yes.
Comment: Not observed at significant frequency in large population cohorts (gnomAD); In silico analysis supports that this missense variant has a deleterious effect on protein structure/function; Has not been previously published as pathogenic or benign to our knowledge

Ambry Genetics
Classification: Uncertain significance for Inborn genetic diseases. Last evaluated: 2023-11-22. Review status: criteria provided, single submitter. Criteria: Ambry Variant Classification Scheme 2023. Collection method: clinical testing. Allele origin: germline.

NM_006045.3(ATP9A):c.589G>A (p.Asp197Asn)

Gene: ATP9A (ATPase phospholipid transporting 9A (putative); minus strand). Cytogenetic location: 20q13.2.
Variant type: single nucleotide variant.
Coding change: c.589G>A on transcript NM_006045.3 (MANE Select); coding-DNA position 589, G replaced by A.
Protein change: p.Asp197Asn; replaces aspartic acid 197 with asparagine.
Molecular consequence: missense variant.
Genome position (GRCh38, 1-based): chr20:51,694,061, C>T on the plus strand (G>A on the coding strand, the complement: ATP9A is on the minus strand). VCF-style: chr20-51694061-C-T. GRCh37 (hg19) VCF-style: chr20-50310600-C-T.
Other names: c.589G>A (NM_006045.2); short protein forms D197N.
Identifiers: ClinVar variation 3132062 (VCV003132062.2), dbSNP rs967937722, ClinGen allele CA315331916.